The following is an entry in ClinVar:

NM_001457.4(FLNB):c.1490T>G (p.Leu497Arg)

Gene: FLNB (filamin B; plus strand). Cytogenetic location: 3p14.3.
Variant type: single nucleotide variant.
Coding change: c.1490T>G on transcript NM_001457.4 (MANE Select); coding-DNA position 1490, T replaced by G.
Protein change: p.Leu497Arg; replaces leucine 497 with arginine.
Molecular consequence: missense variant.
Genome position (GRCh38, 1-based): chr3:58,103,965, T>G. VCF-style: chr3-58103965-T-G. GRCh37 (hg19) VCF-style: chr3-58089692-T-G.
Other names: c.1490T>G, p.Leu497Arg (NM_001164317.2, NM_001164318.2, NM_001164319.2); short protein forms L497R.
Identifiers: ClinVar variation 3608102 (VCV003608102.2).
Genomic context (GRCh38, chr3:58,103,965, plus strand): 5'-TCTCATTTTGGGCCTAGGATTGTGTTGGAAAGATTATCTCCTTCCTTCCCACAGAGGGTC[T>G]GGAGGAGCTGGTGAAGCAGAAAGACTTTCTGGATGGGGTCTACGCATTCGAGTATTACCC-3'
Protein context (NP_001448.2, residues 487-507): LGVTMKGPKG[Leu497Arg]EELVKQKDFL

ClinVar aggregate classification (germline): Uncertain significance (1 of 4 stars; one submission).

gnomAD v4.1: 3 of 1,614,134 alleles (0.00019%); highest among the groups gnomAD compares: Non-Finnish European, 0.00025%; no homozygotes.

Submission:

Labcorp Genetics (formerly Invitae), Labcorp
Classification: Uncertain significance. Last evaluated: 2024-05-24. Review status: criteria provided, single submitter. Criteria: Invitae Variant Classification Sherloc (09022015). Collection method: clinical testing. Allele origin: germline.
Comment: This sequence change replaces leucine, which is neutral and non-polar, with arginine, which is basic and polar, at codon 497 of the FLNB protein (p.Leu497Arg). This variant is not present in population databases (gnomAD no frequency). This variant has not been reported in the literature in individuals affected with FLNB-related conditions. Advanced modeling of protein sequence and biophysical properties (such as structural, functional, and spatial information, amino acid conservation, physicochemical variation, residue mobility, and thermodynamic stability) performed at Invitae indicates that this missense variant is not expected to disrupt FLNB protein function with a negative predictive value of 95%. In summary, the available evidence is currently insufficient to determine the role of this variant in disease. Therefore, it has been classified as a Variant of Uncertain Significance.